The following is an entry in ClinVar:

NC_000006.11:g.(?_74320103)_(74320290_?)del

Gene: SLC17A5 (solute carrier family 17 member 5; minus strand). Cytogenetic location: 6q13.
Variant type: Deletion.
Identifiers: ClinVar variation 2425811 (VCV002425811.4).

ClinVar aggregate classification (germline): Pathogenic (1 of 4 stars; one submission).

Conditions:
Salla disease (SD). Also called: Less Severe FSASD (Salla Disease); Sialuria, Finnish type; N-acetylneuraminic acid (NANA) storage disease (NSD); Infantile sialic acid storage disorder (ISSD). Identifiers: Orphanet 309334, Orphanet 834, MedGen C1096903, MONDO:0011449, OMIM 604369.

Submission:

Labcorp Genetics (formerly Invitae), Labcorp
Classification: Pathogenic for Salla disease. Last evaluated: 2022-01-15. Review status: criteria provided, single submitter. Criteria: Invitae Variant Classification Sherloc (09022015). Collection method: clinical testing. Allele origin: germline.
Comment: For these reasons, this variant has been classified as Pathogenic. A similar copy number variant has been observed in individual(s) with sialic acid storage disease (PMID: 15805149). This variant is a gross deletion of the genomic region encompassing exon(s) 9 of the SLC17A5 gene. This deletion is out-of-frame, and is expected to create a premature termination codon and result in an absent or disrupted protein product. Loss-of-function variants in SLC17A5 are known to be pathogenic (PMID: 10581036, 10947946, 15172001).

Literature cited by the submitters: PubMed 15805149; PubMed 10581036; PubMed 10947946; PubMed 15172001.